The following is an entry in ClinVar:

NM_004364.5(CEBPA):c.500A>G (p.Glu167Gly)

Gene: CEBPA (CCAAT enhancer binding protein alpha; minus strand). Cytogenetic location: 19q13.11.
Variant type: single nucleotide variant.
Coding change: c.500A>G on transcript NM_004364.5 (MANE Select); coding-DNA position 500, A replaced by G.
Protein change: p.Glu167Gly; replaces glutamic acid 167 with glycine.
Molecular consequence: missense variant.
Genome position (GRCh38, 1-based): chr19:33,301,915, T>C on the plus strand (A>G on the coding strand, the complement: CEBPA is on the minus strand). VCF-style: chr19-33301915-T-C. GRCh37 (hg19) VCF-style: chr19-33792821-T-C.
Other names: c.143A>G, p.Glu48Gly (NM_001285829.2); c.605A>G, p.Glu202Gly (NM_001287424.2); c.458A>G, p.Glu153Gly (NM_001287435.2); short protein forms E48G, E153G, E167G, E202G.
Identifiers: ClinVar variation 4000022 (VCV004000022.1).

ClinVar aggregate classification (germline): Uncertain significance (1 of 4 stars; one submission).

Conditions:
Inborn genetic diseases. Identifiers: MedGen C0950123, MeSH D030342.

Submission:

Ambry Genetics
Classification: Uncertain significance for Inborn genetic diseases. Last evaluated: 2025-06-01. Review status: criteria provided, single submitter. Criteria: Ambry Variant Classification Scheme 2023. Collection method: clinical testing. Allele origin: germline.
Comment: The p.E167G variant (also known as c.500A>G), located in coding exon 1 of the CEBPA gene, results from an A to G substitution at nucleotide position 500. The glutamic acid at codon 167 is replaced by glycine, an amino acid with similar properties. This amino acid position is conserved. In addition, this alteration is predicted to be tolerated by in silico analysis. Based on the available evidence, the clinical significance of this variant remains unclear.